The following is an entry in ClinVar:

ClinVar aggregate classification (germline): Uncertain significance (1 of 4 stars; one submission).

Conditions:
Inborn genetic diseases. Identifiers: MedGen C0950123, MeSH D030342.

gnomAD v4.1: 1 of 1,612,408 alleles (0.000062%); highest among the groups gnomAD compares: Middle Eastern, 0.017%; no homozygotes.

Submission:

Ambry Genetics
Classification: Uncertain significance for Inborn genetic diseases. Last evaluated: 2025-03-19. Review status: criteria provided, single submitter. Criteria: Ambry Variant Classification Scheme 2023. Collection method: clinical testing. Allele origin: germline.
Comment: The p.E1255G variant (also known as c.3764A>G), located in coding exon 25 of the ANKRD26 gene, results from an A to G substitution at nucleotide position 3764. The glutamic acid at codon 1255 is replaced by glycine, an amino acid with similar properties. This amino acid position is conserved. In addition, the in silico prediction for this alteration is inconclusive. Based on the available evidence, the clinical significance of this variant remains unclear.

NM_014915.3(ANKRD26):c.3764A>G (p.Glu1255Gly)

Gene: ANKRD26 (ankyrin repeat domain containing 26; minus strand). Cytogenetic location: 10p12.1.
Variant type: single nucleotide variant.
Coding change: c.3764A>G on transcript NM_014915.3 (MANE Select); coding-DNA position 3764, A replaced by G.
Protein change: p.Glu1255Gly; replaces glutamic acid 1255 with glycine.
Molecular consequence: missense variant.
Genome position (GRCh38, 1-based): chr10:27,033,268, T>C on the plus strand (A>G on the coding strand, the complement: ANKRD26 is on the minus strand). VCF-style: chr10-27033268-T-C. GRCh37 (hg19) VCF-style: chr10-27322197-T-C.
Other names: c.3761A>G, p.Glu1254Gly (NM_001256053.2); short protein forms E1254G, E1255G.
Identifiers: ClinVar variation 3912714 (VCV003912714.1).